The following is an entry in ClinVar:

NM_000632.4(ITGAM):c.671G>A (p.Arg224Gln)

Gene: ITGAM (integrin subunit alpha M; plus strand). Cytogenetic location: 16p11.2.
Variant type: single nucleotide variant.
Coding change: c.671G>A on transcript NM_000632.4 (MANE Select); coding-DNA position 671, G replaced by A.
Protein change: p.Arg224Gln; replaces arginine 224 with glutamine.
Molecular consequence: missense variant.
Genome position (GRCh38, 1-based): chr16:31,271,959, G>A. VCF-style: chr16-31271959-G-A. GRCh37 (hg19) VCF-style: chr16-31283280-G-A.
Other names: c.671G>A, p.Arg224Gln (NM_001145808.2); short protein forms R224Q.
Identifiers: ClinVar variation 1428639 (VCV001428639.6), dbSNP rs766435644, ClinGen allele CA8025296.

ClinVar aggregate classification (germline): Uncertain significance (1 of 4 stars; one submission).

Allele frequency attached by ClinVar (database versions not stated): gnomAD 0.00002; ExAC 0.00004; gnomAD exomes 0.00005; TOPMed 0.00005.
gnomAD v4.1: 51 of 1,613,848 alleles (0.0032%); highest among the groups gnomAD compares: Middle Eastern, 0.066%; no homozygotes.

Submission:

Labcorp Genetics (formerly Invitae), Labcorp
Classification: Uncertain significance. Last evaluated: 2025-06-24. Review status: criteria provided, single submitter. Criteria: Invitae Variant Classification Sherloc (09022015). Collection method: clinical testing. Allele origin: germline.
Comment: This sequence change replaces arginine, which is basic and polar, with glutamine, which is neutral and polar, at codon 224 of the ITGAM protein (p.Arg224Gln). This variant is present in population databases (rs766435644, gnomAD 0.02%). This variant has not been reported in the literature in individuals affected with ITGAM-related conditions. ClinVar contains an entry for this variant (Variation ID: 1428639). An algorithm developed to predict the effect of missense changes on protein structure and function outputs the following: PolyPhen-2: "Benign". The glutamine amino acid residue is found in multiple mammalian species, which suggests that this missense change does not adversely affect protein function. In summary, the available evidence is currently insufficient to determine the role of this variant in disease. Therefore, it has been classified as a Variant of Uncertain Significance.